The following is an entry in ClinVar:

NM_002692.4(POLE2):c.535G>A (p.Gly179Arg)

Gene: POLE2 (DNA polymerase epsilon 2, accessory subunit; minus strand). Cytogenetic location: 14q21.3.
Variant type: single nucleotide variant.
Coding change: c.535G>A on transcript NM_002692.4 (MANE Select); coding-DNA position 535, G replaced by A.
Protein change: p.Gly179Arg; replaces glycine 179 with arginine.
Molecular consequence: missense variant.
Genome position (GRCh38, 1-based): chr14:49,666,371, C>T on the plus strand (G>A on the coding strand, the complement: POLE2 is on the minus strand). VCF-style: chr14-49666371-C-T. GRCh37 (hg19) VCF-style: chr14-50133089-C-T.
Other names: c.535G>A (NM_002692.3); c.457G>A, p.Gly153Arg (NM_001197330.2); c.535G>A, p.Gly179Arg (NM_001197331.3, NM_001348384.2); c.304G>A, p.Gly102Arg (NM_001348385.2); short protein forms G179R, G102R, G153R.
Identifiers: ClinVar variation 1418354 (VCV001418354.9), dbSNP rs767851728, ClinGen allele CA7173580.

ClinVar aggregate classification (germline): Uncertain significance. Review status: criteria provided, multiple submitters, no conflicts (2 of 4 stars). 2 submissions from 2 submitters: Uncertain significance (2). Last evaluated 2026-01-12.

Allele frequency attached by ClinVar (database versions not stated): gnomAD 0.00001; gnomAD exomes 0.00001 and 0.00002; ExAC 0.00002; TOPMed 0.00003.
gnomAD v4.1: 12 of 1,546,188 alleles (0.00078%); highest among the groups gnomAD compares: Admixed American, 0.0083%; no homozygotes.

Submissions (2):

Labcorp Genetics (formerly Invitae), Labcorp
Classification: Uncertain significance. Last evaluated: 2026-01-12. Review status: criteria provided, single submitter. Criteria: Invitae Variant Classification Sherloc (09022015). Collection method: clinical testing. Allele origin: germline.
Comment: This sequence change replaces glycine, which is neutral and non-polar, with arginine, which is basic and polar, at codon 179 of the POLE2 protein (p.Gly179Arg). This variant is present in population databases (rs767851728, gnomAD 0.01%). This variant has not been reported in the literature in individuals affected with POLE2-related conditions. ClinVar contains an entry for this variant (Variation ID: 1418354). An algorithm developed to predict the effect of missense changes on protein structure and function (PolyPhen-2) suggests that this variant is likely to be tolerated. In summary, the available evidence is currently insufficient to determine the role of this variant in disease. Therefore, it has been classified as a Variant of Uncertain Significance.

Ambry Genetics
Classification: Uncertain significance. Last evaluated: 2025-03-19. Review status: criteria provided, single submitter. Criteria: Ambry Variant Classification Scheme 2023. Collection method: clinical testing. Allele origin: germline.